The following is an entry in ClinVar:

NM_021098.3(CACNA1H):c.5612G>T (p.Arg1871Leu)

Gene: CACNA1H (calcium voltage-gated channel subunit alpha1 H; plus strand). Cytogenetic location: 16p13.3.
Variant type: single nucleotide variant.
Coding change: c.5612G>T on transcript NM_021098.3 (MANE Select); coding-DNA position 5612, G replaced by T.
Protein change: p.Arg1871Leu; replaces arginine 1871 with leucine.
Molecular consequence: missense variant.
Genome position (GRCh38, 1-based): chr16:1,218,376, G>T. VCF-style: chr16-1218376-G-T. GRCh37 (hg19) VCF-style: chr16-1268376-G-T.
Other names: c.5594G>T, p.Arg1865Leu (NM_001005407.2); short protein forms R1865L, R1871L.
Identifiers: ClinVar variation 1698258 (VCV001698258.4), dbSNP rs58124832, ClinGen allele CA394147547.

ClinVar aggregate classification (germline): Uncertain significance. Review status: criteria provided, multiple submitters, no conflicts (2 of 4 stars). 2 submissions from 2 submitters: Uncertain significance (2). Last evaluated 2025-10-03.

Conditions:
Hyperaldosteronism, familial, type IV (HALD4). Also called: FH IV; ALDOSTERONISM, PRIMARY, AND HYPERTENSION. Identifiers: Orphanet 642671, MedGen C4310756, MONDO:0014875, OMIM 617027.
Idiopathic generalized epilepsy. Also called: EIG; Generalised epilepsy. Identifiers: MedGen C0270850, MONDO:0005579, OMIM 600669.

gnomAD v4.1: 2 of 1,561,074 alleles (0.00013%); highest among the groups gnomAD compares: Non-Finnish European, 0.000087%; no homozygotes.

Submissions (2):

Labcorp Genetics (formerly Invitae), Labcorp
Classification: Uncertain significance for Idiopathic generalized epilepsy; Hyperaldosteronism, familial, type IV. Last evaluated: 2025-10-03. Review status: criteria provided, single submitter. Criteria: Invitae Variant Classification Sherloc (09022015). Collection method: clinical testing. Allele origin: germline.
Comment: This sequence change replaces arginine, which is basic and polar, with leucine, which is neutral and non-polar, at codon 1871 of the CACNA1H protein (p.Arg1871Leu). This variant is not present in population databases (gnomAD no frequency). This variant has not been reported in the literature in individuals affected with CACNA1H-related conditions. ClinVar contains an entry for this variant (Variation ID: 1698258). Invitae Evidence Modeling of protein sequence and biophysical properties (such as structural, functional, and spatial information, amino acid conservation, physicochemical variation, residue mobility, and thermodynamic stability) indicates that this missense variant is not expected to disrupt CACNA1H protein function with a negative predictive value of 80%. In summary, the available evidence is currently insufficient to determine the role of this variant in disease. Therefore, it has been classified as a Variant of Uncertain Significance.

GeneDx
Classification: Uncertain significance. Last evaluated: 2022-01-21. Review status: criteria provided, single submitter. Criteria: GeneDx Variant Classification Process June 2021. Collection method: clinical testing. Allele origin: germline. Affected: yes.
Comment: In silico analysis supports that this missense variant has a deleterious effect on protein structure/function; Has not been previously published as pathogenic or benign to our knowledge